The following is an entry in ClinVar:

NM_000157.4(GBA1):c.479T>C (p.Val160Ala)

Genes: GBA1 (glucosylceramidase beta 1; minus strand), LOC106627981 (GBA recombination region; plus strand). Cytogenetic location: 1q22.
Variant type: single nucleotide variant.
Coding change: c.479T>C on transcript NM_000157.4 (MANE Select); coding-DNA position 479, T replaced by C.
Protein change: p.Val160Ala; replaces valine 160 with alanine.
Molecular consequence: missense variant.
Genome position (GRCh38, 1-based): chr1:155,238,626, A>G on the plus strand (T>C on the coding strand, the complement: GBA1 is on the minus strand). VCF-style: chr1-155238626-A-G. GRCh37 (hg19) VCF-style: chr1-155208417-A-G.
Other names: p.Val160Ala; c.479T>C (NM_000157.3); c.479T>C, p.Val160Ala (NM_001005741.3, NM_001005742.3); c.218T>C, p.Val73Ala (NM_001171811.2); c.332T>C, p.Val111Ala (NM_001171812.2); short protein forms V111A, V160A, V73A.
Identifiers: ClinVar variation 2432074 (VCV002432074.4), dbSNP rs2524839442, ClinGen allele CA342724725.

ClinVar aggregate classification (germline): Conflicting classifications of pathogenicity. Review status: criteria provided, conflicting classifications (1 of 4 stars). 3 submissions from 3 submitters: Likely pathogenic (2); Uncertain significance (1). Last evaluated 2025-09-08.

Conditions:
Gaucher disease. Also called: Acute cerebral Gaucher disease; Cerebroside lipidosis syndrome; Gaucher splenomegaly; Sphingolipidosis 1; Glucocerebrosidosis; Glucosylceramidase deficiency. Identifiers: Orphanet 355, MedGen C0017205, MONDO:0018150.
Gaucher disease type I (GD1). Also called: Gaucher's disease, type 1; ACID BETA-GLUCOSIDASE DEFICIENCY; Type 1 Gaucher Disease; GD 1; GAUCHER DISEASE, NONCEREBRAL JUVENILE; GBA DEFICIENCY. Identifiers: Orphanet 355, Orphanet 77259, MedGen C1961835, MONDO:0009265, OMIM 230800.

Allele frequency attached by ClinVar (database versions not stated): gnomAD exomes below 0.00001.
gnomAD v4.1: 2 of 1,613,624 alleles (0.00012%); highest among the groups gnomAD compares: African/African-American, 0.0013%; no homozygotes.

Submissions (3):

Natera, Inc.
Classification: Likely pathogenic for Gaucher disease. Last evaluated: 2025-09-08. Review status: criteria provided, single submitter. Criteria: Natera Variant Classification Schema (03/2026). Collection method: clinical testing. Allele origin: germline.
Comment: The c.479T>C variant in GBA1 is a missense variant predicted to cause substitution of valine to alanine at amino acid 160. This variant is rare in the general population with a frequency below the threshold expected for the associated phenotype(s). This variant has been observed in one or more individuals affected with the associated recessive disease, as either homozygous or compound heterozygous with a second variant (PMID: 32708003, 37685353). Computational prediction algorithms indicate this variant is likely to affect gene or protein function. Given the available evidence, this variant is classified as Likely Pathogenic.

Foundation for Research in Genetics and Endocrinology, FRIGE's Institute of Human Genetics
Classification: Likely pathogenic for Gaucher disease type I. Last evaluated: 2025-06-20. Review status: criteria provided, single submitter. Criteria: ACMG Guidelines, 2015. Collection method: clinical testing. Allele origin: germline. Inheritance: Autosomal recessive inheritance. Affected: yes. Observed: 1 homozygote.
Comment: A homozygous variant in exon 5 of the GBA1 gene that results in the amino acid substitution of Alanine for Valine at codon 160 was detected. The observed variant c.479T>C(p.Val160Ala) has not been reported in the 1000 genomes and gnomAD databases. The in silico prediction of the variant is deleterious by MutationTaster, FATHMM and DANN. In summary, the variant meets our criteria to be classified as Likely pathogenic.

Revvity Omics, Revvity
Classification: Uncertain significance. Last evaluated: 2022-07-08. Review status: criteria provided, single submitter. Criteria: ACMG Guidelines, 2015. Collection method: clinical testing. Allele origin: germline.

Literature cited by the submitters: PubMed 32708003 (cited by Natera, Inc.); PubMed 37685353 (cited by Natera, Inc.).